The following is an entry in ClinVar:

NM_003872.3(NRP2):c.2167A>T (p.Thr723Ser)

Gene: NRP2 (neuropilin 2; plus strand). Cytogenetic location: 2q33.3.
Variant type: single nucleotide variant.
Coding change: c.2167A>T on transcript NM_003872.3 (MANE Select); coding-DNA position 2167, A replaced by T.
Protein change: p.Thr723Ser; replaces threonine 723 with serine.
Molecular consequence: missense variant.
Genome position (GRCh38, 1-based): chr2:205,763,796, A>T. VCF-style: chr2-205763796-A-T. GRCh37 (hg19) VCF-style: chr2-206628520-A-T.
Other names: c.2167A>T, p.Thr723Ser (NM_018534.4, NM_201266.2, NM_201267.2 and 1 more transcripts); short protein forms T723S.
Identifiers: ClinVar variation 4994464 (VCV004994464.1).

ClinVar aggregate classification (germline): Uncertain significance (1 of 4 stars; one submission).

Conditions:
NRP2-related disorder. Also called: NRP2-related condition.

Submission:

PreventionGenetics, part of Exact Sciences
Classification: Uncertain significance for NRP2-related condition. Last evaluated: 2026-06-17. Review status: criteria provided, single submitter. Criteria: ACMG Guidelines, 2015. Collection method: clinical testing. Allele origin: germline.
Comment: The NRP2 c.2167A>T variant is predicted to result in the amino acid substitution p.Thr723Ser. To our knowledge, this variant has not been reported in the literature or in a large population database (gnomAD), indicating this variant is rare. At this time, the clinical significance of this variant is uncertain due to the absence of conclusive functional and genetic evidence.